The following is an entry in ClinVar:

ClinVar aggregate classification (germline): Uncertain significance. Review status: criteria provided, multiple submitters, no conflicts (2 of 4 stars). 2 submissions from 2 submitters: Uncertain significance (2). Last evaluated 2026-03-24.

Conditions:
Bardet-Biedl syndrome (BBS). Identifiers: Orphanet 110, MedGen C0752166, MONDO:0015229.
BBS4-related disorder. Also called: BBS4-related condition.

Submissions (2):

PreventionGenetics, part of Exact Sciences
Classification: Uncertain significance for BBS4-related condition. Last evaluated: 2026-03-24. Review status: criteria provided, single submitter. Criteria: ACMG Guidelines, 2015. Collection method: clinical testing. Allele origin: germline.
Comment: The BBS4 c.961G>C variant is predicted to result in the amino acid substitution p.Ala321Pro. To our knowledge, this variant has not been reported in the literature or in a large population database (gnomAD), indicating this variant is rare. At this time, the clinical significance of this variant is uncertain due to the absence of conclusive functional and genetic evidence.

Labcorp Genetics (formerly Invitae), Labcorp
Classification: Uncertain significance for Bardet-Biedl syndrome. Last evaluated: 2022-07-06. Review status: criteria provided, single submitter. Criteria: Invitae Variant Classification Sherloc (09022015). Collection method: clinical testing. Allele origin: germline.
Comment: This sequence change replaces alanine, which is neutral and non-polar, with proline, which is neutral and non-polar, at codon 321 of the BBS4 protein (p.Ala321Pro). This variant is not present in population databases (gnomAD no frequency). This variant has not been reported in the literature in individuals affected with BBS4-related conditions. Algorithms developed to predict the effect of missense changes on protein structure and function are either unavailable or do not agree on the potential impact of this missense change (SIFT: "Deleterious"; PolyPhen-2: "Probably Damaging"; Align-GVGD: "Class C0"). In summary, the available evidence is currently insufficient to determine the role of this variant in disease. Therefore, it has been classified as a Variant of Uncertain Significance.

NM_033028.5(BBS4):c.961G>C (p.Ala321Pro)

Gene: BBS4 (Bardet-Biedl syndrome 4; plus strand). Cytogenetic location: 15q24.1.
Variant type: single nucleotide variant.
Coding change: c.961G>C on transcript NM_033028.5 (MANE Select); coding-DNA position 961, G replaced by C.
Protein change: p.Ala321Pro; replaces alanine 321 with proline.
Molecular consequence: missense variant. On other transcripts: non-coding transcript variant (2).
Genome position (GRCh38, 1-based): chr15:72,731,651, G>C. VCF-style: chr15-72731651-G-C. GRCh37 (hg19) VCF-style: chr15-73023992-G-C.
Other names: c.445G>C, p.Ala149Pro (NM_001252678.2); c.892G>C, p.Ala298Pro (NM_001320665.2); c.961G>C (NM_033028.4); short protein forms A149P, A321P, A298P.
Identifiers: ClinVar variation 2089375 (VCV002089375.5), dbSNP rs2542998782, ClinGen allele CA393078935.